The following is an entry in ClinVar:

NM_016239.4(MYO15A):c.9429C>T (p.Thr3143=)

Genes: MYO15A (myosin XVA; plus strand), LOC130060418 (ATAC-STARR-seq lymphoblastoid active region 11828; plus strand). Cytogenetic location: 17p11.2.
Variant type: single nucleotide variant.
Coding change: c.9429C>T on transcript NM_016239.4 (MANE Select); coding-DNA position 9429, C replaced by T.
Protein change: p.Thr3143=; no amino-acid change (threonine 3143 retained).
Molecular consequence: synonymous variant.
Genome position (GRCh38, 1-based): chr17:18,161,359, C>T. VCF-style: chr17-18161359-C-T. GRCh37 (hg19) VCF-style: chr17-18064673-C-T.
Identifiers: ClinVar variation 515525 (VCV000515525.7), dbSNP rs370936507, ClinGen allele CA8425556.

ClinVar aggregate classification (germline): Likely benign. Review status: criteria provided, multiple submitters, no conflicts (2 of 4 stars). 3 submissions from 3 submitters: Likely benign (3). Last evaluated 2024-09-10.

Allele frequency attached by ClinVar (database versions not stated): gnomAD 0.00001; gnomAD exomes 0.00001; ExAC 0.00002; TOPMed 0.00003; ESP Exome Variant Server 0.00008.
gnomAD v4.1: 48 of 1,613,952 alleles (0.003%); highest among the groups gnomAD compares: Non-Finnish European, 0.0039%; no homozygotes.

Submissions (3):

Blueprint Genetics
Classification: Likely benign. Last evaluated: 2024-09-10. Review status: criteria provided, single submitter. Criteria: ACMG Guidelines, 2015. Collection method: clinical testing. Allele origin: germline.

Labcorp Genetics (formerly Invitae), Labcorp
Classification: Likely benign. Last evaluated: 2024-03-11. Review status: criteria provided, single submitter. Criteria: Invitae Variant Classification Sherloc (09022015). Collection method: clinical testing. Allele origin: germline.

GeneDx
Classification: Likely benign. Last evaluated: 2018-02-09. Review status: criteria provided, single submitter. Criteria: GeneDx Variant Classification (06012015). Collection method: clinical testing. Allele origin: germline. Affected: yes.
Comment: This variant is considered likely benign or benign based on one or more of the following criteria: it is a conservative change, it occurs at a poorly conserved position in the protein, it is predicted to be benign by multiple in silico algorithms, and/or has population frequency not consistent with disease.